The following is an entry in ClinVar:

NM_032444.4(SLX4):c.988G>A (p.Val330Met)

Gene: SLX4 (SLX4 structure-specific endonuclease subunit; minus strand). Cytogenetic location: 16p13.3.
Variant type: single nucleotide variant.
Coding change: c.988G>A on transcript NM_032444.4 (MANE Select); coding-DNA position 988, G replaced by A.
Protein change: p.Val330Met; replaces valine 330 with methionine.
Molecular consequence: missense variant.
Genome position (GRCh38, 1-based): chr16:3,601,154, C>T on the plus strand (G>A on the coding strand, the complement: SLX4 is on the minus strand). VCF-style: chr16-3601154-C-T. GRCh37 (hg19) VCF-style: chr16-3651155-C-T.
Other names: short protein forms V330M.
Identifiers: ClinVar variation 1061607 (VCV001061607.9), dbSNP rs2040723281, ClinGen allele CA394531977.

ClinVar aggregate classification (germline): Uncertain significance (1 of 4 stars; one submission).

Conditions:
Fanconi anemia (FA). Also called: Fanconi's anemia. Identifiers: Orphanet 84, MedGen C0015625, MeSH D005199, MONDO:0019391.

Submission:

Labcorp Genetics (formerly Invitae), Labcorp
Classification: Uncertain significance for Fanconi anemia. Last evaluated: 2020-03-17. Review status: criteria provided, single submitter. Criteria: Invitae Variant Classification Sherloc (09022015). Collection method: clinical testing. Allele origin: germline.
Comment: In summary, the available evidence is currently insufficient to determine the role of this variant in disease. Therefore, it has been classified as a Variant of Uncertain Significance. This sequence change replaces valine with methionine at codon 330 of the SLX4 protein (p.Val330Met). The valine residue is weakly conserved and there is a small physicochemical difference between valine and methionine. This variant is not present in population databases (ExAC no frequency). This variant has not been reported in the literature in individuals with SLX4-related conditions. Algorithms developed to predict the effect of missense changes on protein structure and function output the following: SIFT: "Tolerated"; PolyPhen-2: "Benign"; Align-GVGD: "Class C0". The methionine amino acid residue is found in multiple mammalian species, suggesting that this missense change does not adversely affect protein function. These predictions have not been confirmed by published functional studies and their clinical significance is uncertain.